The following is an entry in ClinVar:

NM_031935.3(HMCN1):c.3079_3080del (p.Lys1027fs)

Gene: HMCN1 (hemicentin 1; plus strand). Cytogenetic location: 1q31.1.
Variant type: Deletion.
Coding change: c.3079_3080del on transcript NM_031935.3 (MANE Select); coding-DNA positions 3079 to 3080, 2 bases deleted (AA; older notation c.3079_3080delAA).
Protein change: p.Lys1027fs; shifts the reading frame from lysine 1027.
Molecular consequence: frameshift variant.
Genome position (GRCh38, 1-based): chr1:185,989,518-185,989,519, AA deleted. VCF-style (leftmost placement, unchanged base first): chr1-185989517-TAA-T. GRCh37 (hg19) VCF-style: chr1-185958649-TAA-T.
Other names: short protein forms K1027fs.
Identifiers: ClinVar variation 4727782 (VCV004727782.1).
Genomic context (GRCh38, chr1:185,989,517, plus strand): 5'-AAAACCCTTTGCTTTTCGCCGTGTTTTGCAGAAAGGAGAGCTGATTTCAACCAGCAGTGC[TAA>T]GTTTTCAGCAGGAGCTGATGGTAGTCTGTATGTGGTATCACCTGGAGGAGAGGAGAGTGG-3'

ClinVar aggregate classification (germline): Uncertain significance (1 of 4 stars; one submission).

Submission:

Labcorp Genetics (formerly Invitae), Labcorp
Classification: Uncertain significance. Last evaluated: 2025-09-23. Review status: criteria provided, single submitter. Criteria: Invitae Variant Classification Sherloc (09022015). Collection method: clinical testing. Allele origin: germline.
Comment: This sequence change creates a premature translational stop signal (p.Lys1027Valfs*6) in the HMCN1 gene. It is expected to result in an absent or disrupted protein product. However, the current clinical and genetic evidence is not sufficient to establish whether loss-of-function variants in HMCN1 cause disease. This variant is not present in population databases (gnomAD no frequency). This variant has not been reported in the literature in individuals affected with HMCN1-related conditions. In summary, the available evidence is currently insufficient to determine the role of this variant in disease. Therefore, it has been classified as a Variant of Uncertain Significance.